The following is an entry in ClinVar:

NM_001267550.2(TTN):c.106422dup (p.Phe35475fs)

Genes: TTN (titin; minus strand), TTN-AS1 (TTN antisense RNA 1; plus strand). Cytogenetic location: 2q31.2.
Variant type: Duplication.
Coding change: c.106422dup on transcript NM_001267550.2 (MANE Select); coding-DNA position 106422, one base duplicated (G; older notation c.106422dupG).
Protein change: p.Phe35475fs; shifts the reading frame from phenylalanine 35475.
Molecular consequence: frameshift variant.
Genome position (GRCh38, 1-based): chr2:178,530,069, C duplicated on the plus strand (G on the coding strand, the reverse complement: TTN is on the minus strand); the first of 3 consecutive C bases (chr2:178,530,069-178,530,071); duplicating any one gives the same sequence. VCF-style (leftmost placement, unchanged base first): chr2-178530068-A-AC. GRCh37 (hg19) VCF-style: chr2-179394795-A-AC.
Other names: c.101499dup, p.Phe33834fs (NM_001256850.1); c.79227dup, p.Phe26410fs (NM_003319.4); c.98718dup, p.Phe32907fs (NM_133378.4); c.79602dup, p.Phe26535fs (NM_133432.3); c.79803dup, p.Phe26602fs (NM_133437.4); short protein forms F26410fs, F26535fs, F26602fs, F32907fs, F33834fs, F35475fs.
Identifiers: ClinVar variation 3757644 (VCV003757644.2).
Genomic context (GRCh38, chr2:178,530,068, plus strand): 5'-TTACTGTACAAGTATAAAGTCCACTGTCAGAAGTATCAGTCTTATGAATTTCTAAGAAGA[A>AC]CCCTCCCTTGTCTTCAGAGAGTTTATATTTACCTCCTTGTGTAATGGCCTGTAGAATGCA-3'

ClinVar aggregate classification (germline): Likely pathogenic (1 of 4 stars; one submission).

Conditions:
Dilated cardiomyopathy 1G (CMD1G). Identifiers: Orphanet 154, MedGen C1858763, MONDO:0011400, OMIM 604145.
Autosomal recessive limb-girdle muscular dystrophy type 2J (LGMDR10). Also called: Limb-girdle muscular dystrophy, type 2J; MUSCULAR DYSTROPHY, LIMB-GIRDLE, AUTOSOMAL RECESSIVE 10. Identifiers: Orphanet 140922, MedGen C1837342, MONDO:0012127, OMIM 608807.

Submission:

Labcorp Genetics (formerly Invitae), Labcorp
Classification: Likely pathogenic for Dilated cardiomyopathy 1G; Autosomal recessive limb-girdle muscular dystrophy type 2J. Last evaluated: 2024-08-12. Review status: criteria provided, single submitter. Criteria: Invitae Variant Classification Sherloc (09022015). Collection method: clinical testing. Allele origin: germline.
Comment: This sequence change creates a premature translational stop signal (p.Phe35475Valfs*7) in the TTN gene. While this is not anticipated to result in nonsense mediated decay, it is expected to create a truncated TTN protein. This variant is not present in population databases (gnomAD no frequency). This variant has not been observed in the literature in individuals with autosomal recessive TTN-related conditions. This variant has been reported in individual(s) with autosomal dominant dilated cardiomyopathy (Invitae); however, the role of the variant in this condition is currently unclear. This variant is located in the M band of TTN (PMID: 25589632). Truncating variants in this region have been previously reported in individuals affected with autosomal recessive myopathy and muscular dystrophy (PMID: 18948003, 23975875, 24395473). Truncating variants in this region have also been identified in individuals affected with autosomal dominant dilated cardiomyopathy and/or cardio-related conditions (PMID: 27869827, 32964742, Invitae internal data). In summary, the currently available evidence indicates that the variant is pathogenic, but additional data are needed to prove that conclusively. Therefore, this variant has been classified as Likely Pathogenic.

Literature cited by the submitters: PubMed 25589632; PubMed 18948003; PubMed 23975875; PubMed 24395473; PubMed 27869827; PubMed 32964742.